The following is an entry in ClinVar:

ClinVar aggregate classification (germline): Uncertain significance. Review status: criteria provided, multiple submitters, no conflicts (2 of 4 stars). 3 submissions from 3 submitters: Uncertain significance (3). Last evaluated 2025-08-03.

Conditions:
Hereditary cancer-predisposing syndrome. Also called: Tumor predisposition; Hereditary neoplastic syndrome; Neoplastic Syndromes, Hereditary; Hereditary Cancer Syndrome. Identifiers: Orphanet 140162, MedGen C0027672, MeSH D009386, MONDO:0015356.
Oligodontia-cancer predisposition syndrome. Also called: TOOTH AGENESIS-COLORECTAL CANCER SYNDROME. Identifiers: Orphanet 300576, MedGen C1837750, MONDO:0012075, OMIM 608615. Disease mechanism: loss of function.

gnomAD v4.1: 1 of 1,613,806 alleles (0.000062%); highest among the groups gnomAD compares: Non-Finnish European, 0.000085%; no homozygotes.

Submissions (3):

GeneDx
Classification: Uncertain significance. Last evaluated: 2025-08-03. Review status: criteria provided, single submitter. Criteria: GeneDx Variant Classification Process June 2021. Collection method: clinical testing. Allele origin: germline. Affected: yes.
Comment: Not observed at significant frequency in large population cohorts (gnomAD); In silico analysis supports that this missense variant has a deleterious effect on protein structure/function; Has not been previously published as pathogenic or benign to our knowledge; This variant is associated with the following publications: (PMID: 15735151)

Ambry Genetics
Classification: Uncertain significance for Hereditary cancer-predisposing syndrome. Last evaluated: 2024-05-24. Review status: criteria provided, single submitter. Criteria: Ambry Variant Classification Scheme 2023. Collection method: clinical testing. Allele origin: germline.
Comment: The p.R656G variant (also known as c.1966C>G), located in coding exon 7 of the AXIN2 gene, results from a C to G substitution at nucleotide position 1966. The arginine at codon 656 is replaced by glycine, an amino acid with dissimilar properties. This amino acid position is highly conserved in available vertebrate species. In addition, the in silico prediction for this alteration is inconclusive. Based on the available evidence, the clinical significance of this variant remains unclear.

Labcorp Genetics (formerly Invitae), Labcorp
Classification: Uncertain significance for Oligodontia-cancer predisposition syndrome. Last evaluated: 2019-10-03. Review status: criteria provided, single submitter. Criteria: Invitae Variant Classification Sherloc (09022015). Collection method: clinical testing. Allele origin: germline.
Comment: This variant is not present in population databases (ExAC no frequency). This sequence change replaces arginine with glycine at codon 656 of the AXIN2 protein (p.Arg656Gly). The arginine residue is moderately conserved and there is a moderate physicochemical difference between arginine and glycine. This variant has not been reported in the literature in individuals with AXIN2-related conditions. Algorithms developed to predict the effect of missense changes on protein structure and function are either unavailable or do not agree on the potential impact of this missense change (SIFT: "Deleterious"; PolyPhen-2: "Benign"; Align-GVGD: "Class C0"). In summary, the available evidence is currently insufficient to determine the role of this variant in disease. Therefore, it has been classified as a Variant of Uncertain Significance.

NM_004655.4(AXIN2):c.1966C>G (p.Arg656Gly)

Gene: AXIN2 (axin 2; minus strand). Cytogenetic location: 17q24.1.
Variant type: single nucleotide variant.
Coding change: c.1966C>G on transcript NM_004655.4 (MANE Select); coding-DNA position 1966, C replaced by G.
Protein change: p.Arg656Gly; replaces arginine 656 with glycine.
Molecular consequence: missense variant.
Genome position (GRCh38, 1-based): chr17:65,536,495, G>C on the plus strand (C>G on the coding strand, the complement: AXIN2 is on the minus strand). VCF-style: chr17-65536495-G-C. GRCh37 (hg19) VCF-style: chr17-63532613-G-C.
Other names: c.1771C>G, p.Arg591Gly (NM_001363813.1); short protein forms R656G, R591G.
Identifiers: ClinVar variation 846223 (VCV000846223.10), dbSNP rs121908568, ClinGen allele CA400676243.
Genomic context (GRCh38, chr17:65,536,495, plus strand): 5'-CACGGGGGGTGGTGCGGGGGTGCCCGCTGTTGCCCCCCCACAGATGGTGCCGGCTGGCTC[G>C]TTCGCCTGGAGACGAGCGGGCAGACTCCAAGGGGTAGGCCTTTTTTGTGCTTTGGGCACT-3'
Protein context (NP_004646.3, residues 646-666): LESARSSPGE[Arg656Gly]ASRHHLWGGN